The following is an entry in ClinVar:

ClinVar aggregate classification (germline): Likely benign (0 of 4 stars; one submission).

Conditions:
DIS3L2-related disorder. Also called: DIS3L2-related condition.

Allele frequency attached by ClinVar (database versions not stated): gnomAD exomes below 0.00001.
gnomAD v4.1: 2 of 1,563,438 alleles (0.00013%); highest among the groups gnomAD compares: Non-Finnish European, 0.00017%; no homozygotes.

Submission:

PreventionGenetics, part of Exact Sciences
Classification: Likely benign for DIS3L2-related condition. Last evaluated: 2019-09-04. Review status: no assertion criteria provided. Collection method: clinical testing. Allele origin: germline.
Comment: This variant is classified as likely benign based on ACMG/AMP sequence variant interpretation guidelines (Richards et al. 2015 PMID: 25741868, with internal and published modifications).

NM_152383.5(DIS3L2):c.*7C>T

Gene: DIS3L2 (DIS3 like 3'-5' exoribonuclease 2; plus strand). Cytogenetic location: 2q37.1.
Variant type: single nucleotide variant.
Coding change: c.*7C>T on transcript NM_152383.5 (MANE Select); 7 bases downstream of the stop codon, C replaced by T.
Molecular consequence: 3 prime UTR variant. On other transcripts: non-coding transcript variant (2), intron variant (1).
Genome position (GRCh38, 1-based): chr2:232,336,637, C>T. VCF-style: chr2-232336637-C-T. GRCh37 (hg19) VCF-style: chr2-233201347-C-T.
Other names: c.1582-6708C>T (NM_001257281.2).
Identifiers: ClinVar variation 3052540 (VCV003052540.2), dbSNP rs1406418526, ClinGen allele CA2663594669.
Genomic context (GRCh38, chr2:232,336,637, plus strand): 5'-GAGAAGGAGGAGGAGGAGTCTGACGGTGAGCCCGAGGACTCAAGCACCAGCTGAGCTCCA[C>T]CAGCCGCCTGCCCCGCCTGCCCCGCCTGCCTGTCCCGCCACACTGGCTTTAGGACCTGTT-3'